The following is an entry in ClinVar:

NM_004304.5(ALK):c.4663C>G (p.Leu1555Val)

Gene: ALK (ALK receptor tyrosine kinase; minus strand). Cytogenetic location: 2p23.2.
Variant type: single nucleotide variant.
Coding change: c.4663C>G on transcript NM_004304.5 (MANE Select); coding-DNA position 4663, C replaced by G.
Protein change: p.Leu1555Val; replaces leucine 1555 with valine.
Molecular consequence: missense variant.
Genome position (GRCh38, 1-based): chr2:29,193,424, G>C on the plus strand (C>G on the coding strand, the complement: ALK is on the minus strand). VCF-style: chr2-29193424-G-C. GRCh37 (hg19) VCF-style: chr2-29416290-G-C.
Other names: c.1459C>G, p.Leu487Val (NM_001353765.2); short protein forms L1555V, L487V.
Identifiers: ClinVar variation 3223910 (VCV003223910.1), dbSNP rs2148137586, ClinGen allele CA346460503.

ClinVar aggregate classification (germline): Uncertain significance (1 of 4 stars; one submission).

Conditions:
Hereditary cancer-predisposing syndrome. Also called: Tumor predisposition; Hereditary neoplastic syndrome; Hereditary Cancer Syndrome; Neoplastic Syndromes, Hereditary. Identifiers: Orphanet 140162, MedGen C0027672, MeSH D009386, MONDO:0015356.

Submission:

Ambry Genetics
Classification: Uncertain significance for Hereditary cancer-predisposing syndrome. Last evaluated: 2023-10-22. Review status: criteria provided, single submitter. Criteria: Ambry Variant Classification Scheme 2023. Collection method: clinical testing. Allele origin: germline.
Comment: The p.L1555V variant (also known as c.4663C>G), located in coding exon 29 of the ALK gene, results from a C to G substitution at nucleotide position 4663. The leucine at codon 1555 is replaced by valine, an amino acid with highly similar properties. This amino acid position is conserved. In addition, this alteration is predicted to be tolerated by in silico analysis. Since supporting evidence is limited at this time, the clinical significance of this alteration remains unclear.